The following is an entry in ClinVar:

ClinVar aggregate classification (germline): Conflicting classifications of pathogenicity. Review status: criteria provided, conflicting classifications (1 of 4 stars). 4 submissions from 4 submitters: Uncertain significance (1); Likely benign (2). 1 of the submissions does not count toward it. Last evaluated 2025-12-04.

Conditions:
COL6A2-related disorder.
Bethlem myopathy 1A. Also called: MYOPATHY, BENIGN CONGENITAL, WITH CONTRACTURES; Bethlem myopathy 1; Bethlem Muscular Dystrophy. Identifiers: Orphanet 610, MedGen CN029274, MONDO:0024530, OMIM 158810.

Allele frequency attached by ClinVar (database versions not stated): gnomAD exomes 0.00012; ExAC 0.00014; TOPMed 0.00043; gnomAD 0.00044 and 0.00048; ESP Exome Variant Server 0.00054.
gnomAD v4.1: 211 of 1,612,522 alleles (0.013%); highest among the groups gnomAD compares: African/African-American, 0.083%; no homozygotes.

Submissions (4):

Labcorp Genetics (formerly Invitae), Labcorp
Classification: Likely benign for Bethlem myopathy 1A. Last evaluated: 2025-12-04. Review status: criteria provided, single submitter. Criteria: Invitae Variant Classification Sherloc (09022015). Collection method: clinical testing. Allele origin: germline.

Blueprint Genetics
Classification: Likely benign. Last evaluated: 2024-10-24. Review status: criteria provided, single submitter. Criteria: ACMG Guidelines, 2015. Collection method: clinical testing. Allele origin: germline.

Eurofins Ntd Llc (ga)
Classification: Uncertain significance. Last evaluated: 2018-05-30. Review status: criteria provided, single submitter. Criteria: EGL ClinVar v180209 classification definitions. Collection method: clinical testing. Allele origin: germline. Observed: 1 variant allele, 1 heterozygote.

PreventionGenetics, part of Exact Sciences
Classification: Likely benign for COL6A2-related condition. Last evaluated: 2019-04-11. Review status: no assertion criteria provided. Collection method: clinical testing. Allele origin: germline. Not counted in ClinVar's aggregate classification.
Comment: This variant is classified as likely benign based on ACMG/AMP sequence variant interpretation guidelines (Richards et al. 2015 PMID: 25741868, with internal and published modifications).

NM_001849.4(COL6A2):c.1944C>T (p.Ile648=)

Gene: COL6A2 (collagen type VI alpha 2 chain; plus strand). Cytogenetic location: 21q22.3.
Variant type: single nucleotide variant.
Coding change: c.1944C>T on transcript NM_001849.4 (MANE Select); coding-DNA position 1944, C replaced by T.
Protein change: p.Ile648=; no amino-acid change (isoleucine 648 retained).
Molecular consequence: synonymous variant.
Genome position (GRCh38, 1-based): chr21:46,125,592, C>T. VCF-style: chr21-46125592-C-T. GRCh37 (hg19) VCF-style: chr21-47545506-C-T.
Other names: c.1944C>T, p.Ile648= (NM_058174.3, NM_058175.3).
Identifiers: ClinVar variation 543013 (VCV000543013.18), dbSNP rs148178994, ClinGen allele CA10072339.
Genomic context (GRCh38, chr21:46,125,592, plus strand): 5'-CACCAACTTCACACTGGAGAAGAACTTCGTCATCAACGTGGTCAACAGGCTGGGTGCCAT[C>T]GCTAAGGACCCCAAGTCCGAGACAGGTCAGCGGGGCAGGGGCGGGTGCAGCATTGCGGGG-3'
Protein context (NP_001840.3, residues 638-658): VINVVNRLGA[Ile648=]AKDPKSETGT